The following is an entry in ClinVar:

NM_018699.4(PRDM5):c.44C>T (p.Ser15Phe)

Gene: PRDM5 (PR/SET domain 5; minus strand). Cytogenetic location: 4q27.
Variant type: single nucleotide variant.
Coding change: c.44C>T on transcript NM_018699.4 (MANE Select); coding-DNA position 44, C replaced by T.
Protein change: p.Ser15Phe; replaces serine 15 with phenylalanine.
Molecular consequence: missense variant.
Genome position (GRCh38, 1-based): chr4:120,922,565, G>A on the plus strand (C>T on the coding strand, the complement: PRDM5 is on the minus strand). VCF-style: chr4-120922565-G-A. GRCh37 (hg19) VCF-style: chr4-121843720-G-A.
Other names: c.44C>T, p.Ser15Phe (NM_001300823.2, NM_001300824.2, NM_001379104.1 and 1 more transcripts); short protein forms S15F.
Identifiers: ClinVar variation 2585362 (VCV002585362.1), dbSNP rs759134690, ClinGen allele CA3061538.
Genomic context (GRCh38, chr4:120,922,565, plus strand): 5'-GGGTCACCCACCTTTCGCACTCTGCGGGCCGTGTAGAGCCCCATGCCGTCCTGAACCCGG[G>A]AGGACTTCAGGGAGAACCTGTCCGGCACGTACATGCCCAGCATTTTCCCGGGCGCGGCGG-3'
Protein context (NP_061169.2, residues 5-25): YVPDRFSLKS[Ser15Phe]RVQDGMGLYT

ClinVar aggregate classification (germline): Uncertain significance (1 of 4 stars; one submission).

Conditions:
Brittle cornea syndrome 2 (BCS2). Identifiers: Orphanet 90354, MedGen C3280011, MONDO:0013605, OMIM 614170.

Allele frequency attached by ClinVar (database versions not stated): ExAC 0.00001; gnomAD 0.00001; gnomAD exomes 0.00001.
gnomAD v4.1: 9 of 1,610,968 alleles (0.00056%); highest among the groups gnomAD compares: South Asian, 0.0066%; no homozygotes.

Submission:

Neuberg Centre For Genomic Medicine, NCGM
Classification: Uncertain significance for Brittle cornea syndrome 2. Review status: criteria provided, single submitter. Criteria: ACMG Guidelines, 2015. Collection method: clinical testing. Allele origin: germline. Inheritance: Autosomal recessive inheritance. Affected: yes.
Comment: The missense variant in c.44C>T(p.Ser15Phe) in PRDM5 gene has not been reported previously as a pathogenic variant nor as a benign variant, to our knowledge. The p.Asn541Asp variant is novel (not in any individuals) in gnomAD Exomes and 1000 Genomes. The amino acid Ser at position 15 is changed to a Phe changing protein sequence and it might alter its composition and physico-chemical properties. The variant is predicted to be damaging by SIFT and the residue is conserved across species. The amino acid change p.Ser15Phe in PRDM5 is predicted as conserved by GERP++ and PhyloP across 100 vertebrates. The p.Ser15Phe variant is novel (not in any individuals) in 1000 Genomes. For these reasons, this variant has been classified as Uncertain Significance.